The following is an entry in ClinVar:

ClinVar aggregate classification (germline): Uncertain significance (1 of 4 stars; one submission).

Allele frequency attached by ClinVar (database versions not stated): gnomAD exomes below 0.00001; ExAC 0.00002; TOPMed 0.00002.
gnomAD v4.1: 1 of 1,602,858 alleles (0.000062%); highest among the groups gnomAD compares: African/African-American, 0.0013%; no homozygotes.

Submission:

Women's Health and Genetics/Laboratory Corporation of America, LabCorp
Classification: Uncertain significance. Last evaluated: 2023-11-17. Review status: criteria provided, single submitter. Criteria: LabCorp Variant Classification Summary - May 2015. Collection method: clinical testing. Allele origin: germline.
Comment: Variant summary: CENPE c.1410T>A (p.Asp470Glu) results in a conservative amino acid change in the encoded protein sequence. Five of five in-silico tools predict a benign effect of the variant on protein function. The variant allele was found at a frequency of 8.3e-06 in 241970 control chromosomes. The available data on variant occurrences in the general population are insufficient to allow any conclusion about variant significance. To our knowledge, no occurrence of c.1410T>A in individuals affected with Microcephaly 13, Primary, Autosomal Recessive and no experimental evidence demonstrating its impact on protein function have been reported. No submitters have cited clinical-significance assessments for this variant to ClinVar after 2014. Based on the evidence outlined above, the variant was classified as uncertain significance.

NM_001813.3(CENPE):c.1410T>A (p.Asp470Glu)

Gene: CENPE (centromere protein E; minus strand). Cytogenetic location: 4q24.
Variant type: single nucleotide variant.
Coding change: c.1410T>A on transcript NM_001813.3 (MANE Select); coding-DNA position 1410, T replaced by A.
Protein change: p.Asp470Glu; replaces aspartic acid 470 with glutamic acid.
Molecular consequence: missense variant.
Genome position (GRCh38, 1-based): chr4:103,176,029, A>T on the plus strand (T>A on the coding strand, the complement: CENPE is on the minus strand). VCF-style: chr4-103176029-A-T. GRCh37 (hg19) VCF-style: chr4-104097186-A-T.
Other names: c.1410T>A, p.Asp470Glu (NM_001286734.2); short protein forms D470E.
Identifiers: ClinVar variation 2682603 (VCV002682603.1), dbSNP rs762157678, ClinGen allele CA3030527.